The following is an entry in ClinVar:

ClinVar aggregate classification (germline): Uncertain significance (1 of 4 stars; one submission).

Submission:

GeneDx
Classification: Uncertain significance. Last evaluated: 2026-02-04. Review status: criteria provided, single submitter. Criteria: GeneDx Variant Classification Process June 2021. Collection method: clinical testing. Allele origin: germline.
Comment: Not observed at significant frequency in large population cohorts (gnomAD); In silico analysis supports that this missense variant has a deleterious effect on protein structure/function; Has not been previously published as pathogenic or benign to our knowledge

NM_014458.4(KLHL20):c.973G>A (p.Gly325Ser)

Gene: KLHL20 (kelch like family member 20; plus strand). Cytogenetic location: 1q25.1.
Variant type: single nucleotide variant.
Coding change: c.973G>A on transcript NM_014458.4 (MANE Select); coding-DNA position 973, G replaced by A.
Protein change: p.Gly325Ser; replaces glycine 325 with serine.
Molecular consequence: missense variant.
Genome position (GRCh38, 1-based): chr1:173,756,981, G>A. VCF-style: chr1-173756981-G-A. GRCh37 (hg19) VCF-style: chr1-173726120-G-A.
Other names: short protein forms G325S.
Identifiers: ClinVar variation 4975910 (VCV004975910.1).
Genomic context (GRCh38, chr1:173,756,981, plus strand): 5'-TTACATTTTATGCTTCAGGATAGGATTCTCTTGACCATTTCTGTTACTTCCCCAGTTGGT[G>A]GTTGGTGCAGTGGAGATGCCATTTCCAGTGTTGAACGATATGATCCACAGACCAATGAAT-3'
Protein context (NP_055273.2, residues 315-335): RCGEVLFAVG[Gly325Ser]WCSGDAISSV